The following is an entry in ClinVar:

NC_000001.11:g.(?_216250893)_(216251108_?)del

Gene: USH2A (usherin; minus strand). Cytogenetic location: 1q41.
Variant type: Deletion.
Identifiers: ClinVar variation 830744 (VCV000830744.2).

ClinVar aggregate classification (germline): Pathogenic (1 of 4 stars; one submission).

Submission:

Labcorp Genetics (formerly Invitae), Labcorp
Classification: Pathogenic. Last evaluated: 2019-09-13. Review status: criteria provided, single submitter. Criteria: Invitae Variant Classification Sherloc (09022015). Collection method: clinical testing. Allele origin: germline.
Comment: This variant is an out-of-frame deletion of the genomic region encompassing exon 12 of the USH2A gene. This is expected to create a premature translational stop signal and result in an absent or disrupted protein product. This variant has not been reported in the literature in individuals with USH2A-related conditions. Loss-of-function variants in USH2A are known to be pathogenic (PMID: 10729113, 10909849, 20507924, 25649381). For these reasons, this variant has been classified as Pathogenic.

Literature cited by the submitters: PubMed 10729113; PubMed 10909849; PubMed 20507924; PubMed 25649381.